The following is an entry in ClinVar:

ClinVar aggregate classification (germline): Benign/Likely benign. Review status: criteria provided, multiple submitters, no conflicts (2 of 4 stars). 7 submissions from 7 submitters: Benign (4); Likely benign (3). Last evaluated 2025-12-29.

Conditions:
Hereditary cancer-predisposing syndrome. Also called: Hereditary neoplastic syndrome; Neoplastic Syndromes, Hereditary; Hereditary Cancer Syndrome; Tumor predisposition. Identifiers: Orphanet 140162, MedGen C0027672, MeSH D009386, MONDO:0015356.
Tuberous sclerosis syndrome (TSC). Also called: Tuberous Sclerosis Complex; Tuberous sclerosis. Identifiers: Orphanet 805, MedGen C0041341, MONDO:0001734.
Tuberous sclerosis 2 (TSC2). Identifiers: Orphanet 805, MedGen C1860707, MONDO:0013199, OMIM 613254.

Allele frequency attached by ClinVar (database versions not stated): TOPMed 0.00002.
gnomAD v4.1: 5 of 1,612,766 alleles (0.00031%); highest among the groups gnomAD compares: East Asian, 0.0089%; no homozygotes.

Submissions (7):

Labcorp Genetics (formerly Invitae), Labcorp
Classification: Likely benign for Tuberous sclerosis 2. Last evaluated: 2025-12-29. Review status: criteria provided, single submitter. Criteria: Invitae Variant Classification Sherloc (09022015). Collection method: clinical testing. Allele origin: germline.

Myriad Genetics, Inc.
Classification: Benign for Tuberous sclerosis 2. Last evaluated: 2025-06-02. Review status: criteria provided, single submitter. Criteria: Myriad Autosomal Dominant, Autosomal Recessive and X-Linked Classification Criteria (2023). Collection method: clinical testing. Allele origin: unknown.
Comment: This variant is considered benign. This variant is a silent/synonymous amino acid change and it is not expected to impact splicing.

Quest Diagnostics Nichols Institute San Juan Capistrano
Classification: Benign. Last evaluated: 2024-12-06. Review status: criteria provided, single submitter. Criteria: Quest Diagnostics criteria. Collection method: clinical testing. Allele origin: unknown.

All of Us Research Program, National Institutes of Health
Classification: Benign for Tuberous sclerosis syndrome. Last evaluated: 2023-10-23. Review status: criteria provided, single submitter. Criteria: ACMG Guidelines, 2015. Collection method: clinical testing. Allele origin: germline. Inheritance: Autosomal dominant inheritance. Observed: 3 variant alleles, 3 heterozygotes.
Comment: This study involves interpretation of variants in research participants for the purpose of population health screening. Participant phenotype was not available at the time of variant classification. Additional details can be found in publication PMID: 35346344, PMCID: PMC8962531

Color Diagnostics, LLC DBA Color Health
Classification: Benign for Tuberous sclerosis syndrome. Last evaluated: 2022-09-30. Review status: criteria provided, single submitter. Criteria: ACMG Guidelines, 2015. Collection method: clinical testing. Allele origin: germline.

Blueprint Genetics
Classification: Likely benign. Last evaluated: 2021-07-26. Review status: criteria provided, single submitter. Criteria: ACMG Guidelines, 2015. Collection method: clinical testing. Allele origin: germline.

Ambry Genetics
Classification: Likely benign for Hereditary cancer-predisposing syndrome. Last evaluated: 2019-12-03. Review status: criteria provided, single submitter. Criteria: Ambry Variant Classification Scheme 2023. Collection method: clinical testing. Allele origin: germline.

NM_000548.5(TSC2):c.4110C>T (p.Pro1370=)

Gene: TSC2 (TSC complex subunit 2; plus strand). Cytogenetic location: 16p13.3.
Variant type: single nucleotide variant.
Coding change: c.4110C>T on transcript NM_000548.5 (MANE Select); coding-DNA position 4110, C replaced by T.
Protein change: p.Pro1370=; no amino-acid change (proline 1370 retained).
Molecular consequence: synonymous variant.
Genome position (GRCh38, 1-based): chr16:2,084,332, C>T. VCF-style: chr16-2084332-C-T. GRCh37 (hg19) VCF-style: chr16-2134333-C-T.
Other names: c.3909C>T, p.Pro1303= (NM_001077183.3); c.4041C>T, p.Pro1347= (NM_001114382.3); c.3801C>T, p.Pro1267= (NM_001318827.2); c.3765C>T, p.Pro1255= (NM_001318829.2); c.3378C>T, p.Pro1126= (NM_001318831.2); c.3942C>T, p.Pro1314= (NM_001318832.2); c.3912C>T, p.Pro1304= (NM_001363528.2); c.3978C>T, p.Pro1326= (NM_001370404.1); and 1 more.
Identifiers: ClinVar variation 468065 (VCV000468065.18), dbSNP rs771107874, ClinGen allele CA050514.